The following is an entry in ClinVar:

NM_000051.4(ATM):c.5294A>G (p.Gln1765Arg)

Gene: ATM (ATM serine/threonine kinase; plus strand). Cytogenetic location: 11q22.3.
Variant type: single nucleotide variant.
Coding change: c.5294A>G on transcript NM_000051.4 (MANE Select); coding-DNA position 5294, A replaced by G.
Protein change: p.Gln1765Arg; replaces glutamine 1765 with arginine.
Molecular consequence: missense variant.
Genome position (GRCh38, 1-based): chr11:108,301,764, A>G. VCF-style: chr11-108301764-A-G. GRCh37 (hg19) VCF-style: chr11-108172491-A-G.
Other names: c.5294A>G, p.Gln1765Arg (NM_001351834.2); short protein forms Q1765R.
Identifiers: ClinVar variation 407659 (VCV000407659.18), dbSNP rs35556390, ClinGen allele CA16613443.

ClinVar aggregate classification (germline): Uncertain significance. Review status: criteria provided, multiple submitters, no conflicts (2 of 4 stars). 3 submissions from 3 submitters: Uncertain significance (3). Last evaluated 2025-04-12.

Conditions:
Hereditary cancer-predisposing syndrome. Also called: Hereditary neoplastic syndrome; Neoplastic Syndromes, Hereditary; Tumor predisposition; Hereditary Cancer Syndrome. Identifiers: Orphanet 140162, MedGen C0027672, MeSH D009386, MONDO:0015356.
Ataxia-telangiectasia syndrome (AT). Also called: Ataxia telangiectasia (A-T); LOUIS-BAR SYNDROME; Cerebello-oculocutaneous telangiectasia; Immunodeficiency with ataxia telangiectasia; Ataxia-telangiectasia, complementation group D; AT, COMPLEMENTATION GROUP C. Identifiers: Orphanet 100, MedGen C0004135, MONDO:0008840, OMIM 208900.

Allele frequency attached by ClinVar (database versions not stated): gnomAD exomes below 0.00001 and 0.00001.
gnomAD v4.1: 17 of 1,613,708 alleles (0.0011%); highest among the groups gnomAD compares: Non-Finnish European, 0.0014%; no homozygotes.

Submissions (3):

Ambry Genetics
Classification: Uncertain significance for Hereditary cancer-predisposing syndrome. Last evaluated: 2025-04-12. Review status: criteria provided, single submitter. Criteria: Ambry Variant Classification Scheme 2023. Collection method: clinical testing. Allele origin: germline.
Comment: The p.Q1765R variant (also known as c.5294A>G), located in coding exon 34 of the ATM gene, results from an A to G substitution at nucleotide position 5294. The glutamine at codon 1765 is replaced by arginine, an amino acid with highly similar properties. This amino acid position is well conserved in available vertebrate species. In addition, this alteration is predicted to be tolerated by in silico analysis. Since supporting evidence is limited at this time, the clinical significance of this alteration remains unclear.

Labcorp Genetics (formerly Invitae), Labcorp
Classification: Uncertain significance for Ataxia-telangiectasia syndrome. Last evaluated: 2025-01-25. Review status: criteria provided, single submitter. Criteria: Invitae Variant Classification Sherloc (09022015). Collection method: clinical testing. Allele origin: germline.
Comment: This sequence change replaces glutamine, which is neutral and polar, with arginine, which is basic and polar, at codon 1765 of the ATM protein (p.Gln1765Arg). This variant is present in population databases (no rsID available, gnomAD 0.0009%). This variant has not been reported in the literature in individuals affected with ATM-related conditions. ClinVar contains an entry for this variant (Variation ID: 407659). Invitae Evidence Modeling of protein sequence and biophysical properties (such as structural, functional, and spatial information, amino acid conservation, physicochemical variation, residue mobility, and thermodynamic stability) indicates that this missense variant is not expected to disrupt ATM protein function with a negative predictive value of 95%. In summary, the available evidence is currently insufficient to determine the role of this variant in disease. Therefore, it has been classified as a Variant of Uncertain Significance.

Color Diagnostics, LLC DBA Color Health
Classification: Uncertain significance for Hereditary cancer-predisposing syndrome. Last evaluated: 2021-03-23. Review status: criteria provided, single submitter. Criteria: ACMG Guidelines, 2015. Collection method: clinical testing. Allele origin: germline.
Comment: This missense variant replaces glutamine with arginine at codon 1765 of the ATM protein. Computational prediction suggests that this variant may not impact protein structure and function (internally defined REVEL score threshold <= 0.5, PMID: 27666373). To our knowledge, functional studies have not been reported for this variant. This variant has not been reported in individuals affected with hereditary cancer in the literature. This variant has been identified in 1/251068 chromosomes in the general population by the Genome Aggregation Database (gnomAD). The available evidence is insufficient to determine the role of this variant in disease conclusively. Therefore, this variant is classified as a Variant of Uncertain Significance.